The following is an entry in ClinVar:

ClinVar aggregate classification (germline): Uncertain significance (1 of 4 stars; one submission).

Conditions:
Kabuki syndrome 2 (KABUK2). Also called: KDM6A-Related Kabuki Syndrome. Identifiers: Orphanet 2322, MedGen C3275495, MONDO:0010465, OMIM 300867.

Allele frequency attached by ClinVar (database versions not stated): gnomAD exomes 0.00001; gnomAD 0.00002; TOPMed 0.00002.
gnomAD v4.1: 12 of 1,209,428 alleles (0.00099%); highest among the groups gnomAD compares: Non-Finnish European, 0.0012%; no homozygotes.

Submission:

Labcorp Genetics (formerly Invitae), Labcorp
Classification: Uncertain significance for Kabuki syndrome 2. Last evaluated: 2022-07-20. Review status: criteria provided, single submitter. Criteria: Invitae Variant Classification Sherloc (09022015). Collection method: clinical testing. Allele origin: germline.
Comment: In summary, the available evidence is currently insufficient to determine the role of this variant in disease. Therefore, it has been classified as a Variant of Uncertain Significance. Algorithms developed to predict the effect of missense changes on protein structure and function are either unavailable or do not agree on the potential impact of this missense change (SIFT: "Deleterious"; PolyPhen-2: "Benign"; Align-GVGD: "Class C0"). This variant has not been reported in the literature in individuals affected with KDM6A-related conditions. This variant is not present in population databases (gnomAD no frequency). This sequence change replaces alanine, which is neutral and non-polar, with valine, which is neutral and non-polar, at codon 742 of the KDM6A protein (p.Ala742Val).

NM_001291415.2(KDM6A):c.2381C>T (p.Ala794Val)

Gene: KDM6A (lysine demethylase 6A; plus strand). Cytogenetic location: Xp11.3.
Variant type: single nucleotide variant.
Coding change: c.2381C>T on transcript NM_001291415.2 (MANE Select); coding-DNA position 2381, C replaced by T.
Protein change: p.Ala794Val; replaces alanine 794 with valine.
Molecular consequence: missense variant. On other transcripts: non-coding transcript variant (1).
Genome position (GRCh38, 1-based): chrX:45,069,880, C>T. VCF-style: chrX-45069880-C-T. GRCh37 (hg19) VCF-style: chrX-44929125-C-T.
Other names: c.2246C>T, p.Ala749Val (NM_001291416.2); c.2090C>T, p.Ala697Val (NM_001291417.2); c.1988C>T, p.Ala663Val (NM_001291418.2); c.1337C>T, p.Ala446Val (NM_001291421.2); c.2123C>T, p.Ala708Val (NM_001410742.1); c.2225C>T, p.Ala742Val (NM_021140.4); short protein forms A446V, A697V, A663V, A749V, A794V, A708V, A742V.
Identifiers: ClinVar variation 2185459 (VCV002185459.4), dbSNP rs1298658636, ClinGen allele CA412793880.